The following is an entry in ClinVar:

NM_002471.4(MYH6):c.1142-4C>G

Gene: MYH6 (myosin heavy chain 6; minus strand). Cytogenetic location: 14q11.2.
Variant type: single nucleotide variant.
Coding change: c.1142-4C>G on transcript NM_002471.4 (MANE Select); 4 bases into the intron before coding-DNA position 1142, C replaced by G.
Molecular consequence: intron variant.
Genome position (GRCh38, 1-based): chr14:23,400,981, G>C on the plus strand (C>G on the coding strand, the complement: MYH6 is on the minus strand). VCF-style: chr14-23400981-G-C. GRCh37 (hg19) VCF-style: chr14-23870190-G-C.
Identifiers: ClinVar variation 1731574 (VCV001731574.6), dbSNP rs1891582778, ClinGen allele CA2123446252.

ClinVar aggregate classification (germline): Uncertain significance. Review status: criteria provided, multiple submitters, no conflicts (2 of 4 stars). 2 submissions from 2 submitters: Uncertain significance (2). Last evaluated 2025-06-02.

Conditions:
Cardiovascular phenotype. Identifiers: MedGen CN230736.
Hypertrophic cardiomyopathy 14. Identifiers: MedGen C2750467, MONDO:0013197, OMIM 613251.

Allele frequency attached by ClinVar (database versions not stated): gnomAD exomes below 0.00001.
gnomAD v4.1: 1 of 1,614,034 alleles (0.000062%); highest among the groups gnomAD compares: Non-Finnish European, 0.000085%; no homozygotes.

Submissions (2):

Labcorp Genetics (formerly Invitae), Labcorp
Classification: Uncertain significance for Hypertrophic cardiomyopathy 14. Last evaluated: 2025-06-02. Review status: criteria provided, single submitter. Criteria: Invitae Variant Classification Sherloc (09022015). Collection method: clinical testing. Allele origin: germline.
Comment: This sequence change falls in intron 12 of the MYH6 gene. It does not directly change the encoded amino acid sequence of the MYH6 protein. This variant is not present in population databases (gnomAD no frequency). This variant has not been reported in the literature in individuals affected with MYH6-related conditions. ClinVar contains an entry for this variant (Variation ID: 1731574). Algorithms developed to predict the effect of sequence changes on RNA splicing suggest that this variant may create or strengthen a splice site. In summary, the available evidence is currently insufficient to determine the role of this variant in disease. Therefore, it has been classified as a Variant of Uncertain Significance.

Ambry Genetics
Classification: Uncertain significance for Cardiovascular phenotype. Last evaluated: 2024-07-19. Review status: criteria provided, single submitter. Criteria: Ambry Variant Classification Scheme 2023. Collection method: clinical testing. Allele origin: germline.
Comment: The c.1142-4C>G intronic variant results from a C to G substitution 4 nucleotides upstream from coding exon 11 in the MYH6 gene. This nucleotide position is well conserved in available vertebrate species. In silico splice site analysis predicts that this alteration will result in the creation or strengthening of a novel splice acceptor site. Based on the available evidence, the clinical significance of this variant remains unclear.